The following is an entry in ClinVar:

ClinVar aggregate classification (germline): Uncertain significance (1 of 4 stars; one submission).

Submission:

Labcorp Genetics (formerly Invitae), Labcorp
Classification: Uncertain significance. Last evaluated: 2025-05-05. Review status: criteria provided, single submitter. Criteria: Invitae Variant Classification Sherloc (09022015). Collection method: clinical testing. Allele origin: germline.
Comment: This sequence change replaces threonine, which is neutral and polar, with isoleucine, which is neutral and non-polar, at codon 537 of the FBN3 protein (p.Thr537Ile). This variant is not present in population databases (gnomAD no frequency). This variant has not been reported in the literature in individuals affected with FBN3-related conditions. ClinVar contains an entry for this variant (Variation ID: 1954849). An algorithm developed to predict the effect of missense changes on protein structure and function (PolyPhen-2) suggests that this variant is likely to be tolerated. In summary, the available evidence is currently insufficient to determine the role of this variant in disease. Therefore, it has been classified as a Variant of Uncertain Significance.

NM_032447.5(FBN3):c.1610C>T (p.Thr537Ile)

Gene: FBN3 (fibrillin 3; minus strand). Cytogenetic location: 19p13.2.
Variant type: single nucleotide variant.
Coding change: c.1610C>T on transcript NM_032447.5 (MANE Select); coding-DNA position 1610, C replaced by T.
Protein change: p.Thr537Ile; replaces threonine 537 with isoleucine.
Molecular consequence: missense variant.
Genome position (GRCh38, 1-based): chr19:8,133,088, G>A on the plus strand (C>T on the coding strand, the complement: FBN3 is on the minus strand). VCF-style: chr19-8133088-G-A. GRCh37 (hg19) VCF-style: chr19-8197972-G-A.
Other names: c.1610C>T, p.Thr537Ile (NM_001321431.2); short protein forms T537I.
Identifiers: ClinVar variation 1954849 (VCV001954849.5), dbSNP rs2083189591, ClinGen allele CA403707214.